The following is an entry in ClinVar:

ClinVar aggregate classification (germline): Uncertain significance (1 of 4 stars; one submission).

Conditions:
Mitochondrial trifunctional protein deficiency. Identifiers: Orphanet 746, MedGen C1969443, MONDO:0012172.

Submission:

Labcorp Genetics (formerly Invitae), Labcorp
Classification: Uncertain significance for Mitochondrial trifunctional protein deficiency. Last evaluated: 2022-10-08. Review status: criteria provided, single submitter. Criteria: Invitae Variant Classification Sherloc (09022015). Collection method: clinical testing. Allele origin: germline.
Comment: In summary, the available evidence is currently insufficient to determine the role of this variant in disease. Therefore, it has been classified as a Variant of Uncertain Significance. Advanced modeling of protein sequence and biophysical properties (such as structural, functional, and spatial information, amino acid conservation, physicochemical variation, residue mobility, and thermodynamic stability) performed at Invitae indicates that this missense variant is not expected to disrupt HADHB protein function. This variant has not been reported in the literature in individuals affected with HADHB-related conditions. This variant is not present in population databases (gnomAD no frequency). This sequence change replaces alanine, which is neutral and non-polar, with threonine, which is neutral and polar, at codon 227 of the HADHB protein (p.Ala227Thr).

NM_000183.3(HADHB):c.679G>A (p.Ala227Thr)

Gene: HADHB (hydroxyacyl-CoA dehydrogenase trifunctional multienzyme complex subunit beta; plus strand). Cytogenetic location: 2p23.3.
Variant type: single nucleotide variant.
Coding change: c.679G>A on transcript NM_000183.3 (MANE Select); coding-DNA position 679, G replaced by A.
Protein change: p.Ala227Thr; replaces alanine 227 with threonine.
Molecular consequence: missense variant.
Genome position (GRCh38, 1-based): chr2:26,279,183, G>A. VCF-style: chr2-26279183-G-A. GRCh37 (hg19) VCF-style: chr2-26502051-G-A.
Other names: c.634G>A, p.Ala212Thr (NM_001281512.2); c.613G>A, p.Ala205Thr (NM_001281513.2); short protein forms A205T, A212T, A227T.
Identifiers: ClinVar variation 1914113 (VCV001914113.3), dbSNP rs2465720418, ClinGen allele CA346092933.